The following is an entry in ClinVar:

ClinVar aggregate classification (germline): Uncertain significance (1 of 4 stars; one submission).

Submission:

GeneDx
Classification: Uncertain significance. Last evaluated: 2026-02-26. Review status: criteria provided, single submitter. Criteria: GeneDx Variant Classification Process June 2021. Collection method: clinical testing. Allele origin: germline.
Comment: Not observed at significant frequency in large population cohorts (gnomAD); In silico analysis supports that this missense variant has a deleterious effect on protein structure/function; Has not been previously published as pathogenic or benign to our knowledge

NM_004815.4(ARHGAP29):c.1837C>T (p.His613Tyr)

Gene: ARHGAP29 (Rho GTPase activating protein 29; minus strand). Cytogenetic location: 1p22.1.
Variant type: single nucleotide variant.
Coding change: c.1837C>T on transcript NM_004815.4 (MANE Select); coding-DNA position 1837, C replaced by T.
Protein change: p.His613Tyr; replaces histidine 613 with tyrosine.
Molecular consequence: missense variant.
Genome position (GRCh38, 1-based): chr1:94,185,425, G>A on the plus strand (C>T on the coding strand, the complement: ARHGAP29 is on the minus strand). VCF-style: chr1-94185425-G-A. GRCh37 (hg19) VCF-style: chr1-94650981-G-A.
Other names: c.1837C>T, p.His613Tyr (NM_001328664.2); c.1645C>T, p.His549Tyr (NM_001328665.2, NM_001328667.2); c.1810C>T, p.His604Tyr (NM_001328666.2); short protein forms H549Y, H604Y, H613Y.
Identifiers: ClinVar variation 5009839 (VCV005009839.1).
Genomic context (GRCh38, chr1:94,185,425, plus strand): 5'-ACACTACAATGCCTTCACAATCCCTACATTTCGTGGGGGATCTCAATTTGCGAAACTTGT[G>A]TGTGAGAGCTGCCTTTGACATCAATGTTTTCTTAAATGTTCCAAGGGAATTGGGTCCTTG-3'
Protein context (NP_004806.3, residues 603-623): KTLMSKAALT[His613Tyr]KFRKLRSPTK